The following is an entry in ClinVar:

NM_019892.6(INPP5E):c.1384G>A (p.Ala462Thr)

Gene: INPP5E (inositol polyphosphate-5-phosphatase E; minus strand). Cytogenetic location: 9q34.3.
Variant type: single nucleotide variant.
Coding change: c.1384G>A on transcript NM_019892.6 (MANE Select); coding-DNA position 1384, G replaced by A.
Protein change: p.Ala462Thr; replaces alanine 462 with threonine.
Molecular consequence: missense variant.
Genome position (GRCh38, 1-based): chr9:136,432,482, C>T on the plus strand (G>A on the coding strand, the complement: INPP5E is on the minus strand). VCF-style: chr9-136432482-C-T. GRCh37 (hg19) VCF-style: chr9-139326934-C-T.
Other names: c.1381G>A, p.Ala461Thr (NM_001318502.2); c.1384G>A (NM_019892.5); short protein forms A462T, A461T.
Identifiers: ClinVar variation 365883 (VCV000365883.14), dbSNP rs200837258, ClinGen allele CA10633254.

ClinVar aggregate classification (germline): Uncertain significance. Review status: criteria provided, multiple submitters, no conflicts (2 of 4 stars). 4 submissions from 4 submitters: Uncertain significance (3). 1 of the submissions does not count toward it. Last evaluated 2025-01-06.

Conditions:
INPP5E-related disorder. Also called: INPP5E-related condition.
MORM syndrome (MORMS). Identifiers: Orphanet 75858, MedGen C1857802, MONDO:0012423, OMIM 610156.
Joubert syndrome 1 (JBTS1). Also called: Cerebellooculorenal syndrome 1; CEREBELLOPARENCHYMAL DISORDER IV. Identifiers: MedGen C4551568, MONDO:0008944, OMIM 213300.
Joubert syndrome. Also called: Familial aplasia of the vermis; JOUBERT-BOLTSHAUSER SYNDROME. Identifiers: Orphanet 475, MedGen C5979921, MONDO:0018772.

Allele frequency attached by ClinVar (database versions not stated): TOPMed 0.00006; gnomAD 0.00008 and 0.00007; gnomAD exomes 0.00002 and 0.00003; 1000 Genomes Project 30x 0.00016; 1000 Genomes Project 0.00020.
gnomAD v4.1: 39 of 1,546,998 alleles (0.0025%); highest among the groups gnomAD compares: African/African-American, 0.011%; no homozygotes.

Submissions (4):

Labcorp Genetics (formerly Invitae), Labcorp
Classification: Uncertain significance for Joubert syndrome. Last evaluated: 2025-01-06. Review status: criteria provided, single submitter. Criteria: Invitae Variant Classification Sherloc (09022015). Collection method: clinical testing. Allele origin: germline.
Comment: This sequence change replaces alanine, which is neutral and non-polar, with threonine, which is neutral and polar, at codon 462 of the INPP5E protein (p.Ala462Thr). The frequency data for this variant in the population databases is considered unreliable, as metrics indicate poor data quality at this position in the gnomAD database. This variant has not been reported in the literature in individuals affected with INPP5E-related conditions. ClinVar contains an entry for this variant (Variation ID: 365883). An algorithm developed to predict the effect of missense changes on protein structure and function outputs the following: PolyPhen-2: "Benign". The threonine amino acid residue is found in multiple mammalian species, which suggests that this missense change does not adversely affect protein function. In summary, the available evidence is currently insufficient to determine the role of this variant in disease. Therefore, it has been classified as a Variant of Uncertain Significance.

Fulgent Genetics
Classification: Uncertain significance for Joubert syndrome 1; MORM syndrome. Last evaluated: 2024-06-12. Review status: criteria provided, single submitter. Criteria: ACMG Guidelines, 2015. Collection method: clinical testing. Allele origin: germline.

Illumina Laboratory Services, Illumina
Classification: Uncertain significance for Joubert syndrome 1. Last evaluated: 2018-01-12. Review status: criteria provided, single submitter. Criteria: ICSL Variant Classification Criteria 13 December 2019. Collection method: clinical testing. Allele origin: germline.

PreventionGenetics, part of Exact Sciences
Classification: Uncertain significance for INPP5E-related condition. Last evaluated: 2024-02-13. Review status: no assertion criteria provided. Collection method: clinical testing. Allele origin: germline. Not counted in ClinVar's aggregate classification.
Comment: The INPP5E c.1384G>A variant is predicted to result in the amino acid substitution p.Ala462Thr. To our knowledge, this variant has not been reported in the literature. This variant is reported in 0.015% of alleles in individuals of East Asian descent in gnomAD. At this time, the clinical significance of this variant is uncertain due to the absence of conclusive functional and genetic evidence.